The following is an entry in ClinVar:

ClinVar aggregate classification (germline): Uncertain significance. Review status: criteria provided, multiple submitters, no conflicts (2 of 4 stars). 2 submissions from 2 submitters: Uncertain significance (2). Last evaluated 2025-09-02.

Conditions:
Immunodeficiency, common variable, 7. Identifiers: Orphanet 1572, Orphanet 696894, MedGen C3542922, MONDO:0013862, OMIM 614699.

Allele frequency attached by ClinVar (database versions not stated): gnomAD exomes below 0.00001; TOPMed below 0.00001; gnomAD 0.00001.
gnomAD v4.1: 4 of 1,613,484 alleles (0.00025%); highest among the groups gnomAD compares: Non-Finnish European, 0.00034%; no homozygotes.

Submissions (2):

Labcorp Genetics (formerly Invitae), Labcorp
Classification: Uncertain significance for Immunodeficiency, common variable, 7. Last evaluated: 2025-09-02. Review status: criteria provided, single submitter. Criteria: Invitae Variant Classification Sherloc (09022015). Collection method: clinical testing. Allele origin: germline.
Comment: This sequence change replaces serine, which is neutral and polar, with threonine, which is neutral and polar, at codon 434 of the CR2 protein (p.Ser434Thr). This variant is not present in population databases (gnomAD no frequency). This variant has not been reported in the literature in individuals affected with CR2-related conditions. ClinVar contains an entry for this variant (Variation ID: 944099). An algorithm developed to predict the effect of missense changes on protein structure and function (PolyPhen-2) suggests that this variant is likely to be disruptive. In summary, the available evidence is currently insufficient to determine the role of this variant in disease. Therefore, it has been classified as a Variant of Uncertain Significance.

Blueprint Genetics
Classification: Uncertain significance. Last evaluated: 2024-06-05. Review status: criteria provided, single submitter. Criteria: ACMG Guidelines, 2015. Collection method: clinical testing. Allele origin: germline.

NM_001006658.3(CR2):c.1300T>A (p.Ser434Thr)

Gene: CR2 (complement C3d receptor 2; plus strand). Cytogenetic location: 1q32.2.
Variant type: single nucleotide variant.
Coding change: c.1300T>A on transcript NM_001006658.3 (MANE Select); coding-DNA position 1300, T replaced by A.
Protein change: p.Ser434Thr; replaces serine 434 with threonine.
Molecular consequence: missense variant.
Genome position (GRCh38, 1-based): chr1:207,470,814, T>A. VCF-style: chr1-207470814-T-A. GRCh37 (hg19) VCF-style: chr1-207644159-T-A.
Other names: c.1300T>A, p.Ser434Thr (NM_001877.5); short protein forms S434T.
Identifiers: ClinVar variation 944099 (VCV000944099.10), dbSNP rs1209951988, ClinGen allele CA344530260.
Genomic context (GRCh38, chr1:207,470,814, plus strand): 5'-CCTAACATCCTCAATGGGCAAAAGGAAGATAGACACATGGTCCGCTTTGACCCTGGAACA[T>A]CTATAAAATATAGCTGTAACCCTGGCTATGTGCTGGTGGGAGAAGAATCCATACAGTGTA-3'
Protein context (NP_001006659.1, residues 424-444): RHMVRFDPGT[Ser434Thr]IKYSCNPGYV